The following is an entry in ClinVar:

NM_153816.6(SNX14):c.694G>A (p.Val232Ile)

Gene: SNX14 (sorting nexin 14; minus strand). Cytogenetic location: 6q14.3.
Variant type: single nucleotide variant.
Coding change: c.694G>A on transcript NM_153816.6 (MANE Select); coding-DNA position 694, G replaced by A.
Protein change: p.Val232Ile; replaces valine 232 with isoleucine.
Molecular consequence: missense variant. On other transcripts: 5 prime UTR variant (7), non-coding transcript variant (6), intron variant (2).
Genome position (GRCh38, 1-based): chr6:85,549,820, C>T on the plus strand (G>A on the coding strand, the complement: SNX14 is on the minus strand). VCF-style: chr6-85549820-C-T. GRCh37 (hg19) VCF-style: chr6-86259538-C-T.
Other names: c.694G>A, p.Val232Ile (NM_001297614.3, NM_001350540.2, NM_001350541.2); c.538G>A, p.Val180Ile (NM_001304479.2); c.757G>A, p.Val253Ile (NM_001350532.2); c.691G>A, p.Val231Ile (NM_001350533.2, NM_001350534.2, NM_001350535.2); c.562G>A, p.Val188Ile (NM_001350536.2, NM_020468.6); c.559G>A, p.Val187Ile (NM_001350537.2); c.535G>A, p.Val179Ile (NM_001350539.2); c.406G>A, p.Val136Ile (NM_001350542.2); and 7 more; short protein forms V179I, V135I, V180I, V187I, V136I, V188I, V231I, V232I.
Identifiers: ClinVar variation 2083118 (VCV002083118.2), dbSNP rs553047040, ClinGen allele CA3912353.

ClinVar aggregate classification (germline): Uncertain significance. Review status: criteria provided, multiple submitters, no conflicts (2 of 4 stars). 2 submissions from 2 submitters: Uncertain significance (2). Last evaluated 2023-12-01.

Conditions:
Inborn genetic diseases. Identifiers: MedGen C0950123, MeSH D030342.

Allele frequency attached by ClinVar (database versions not stated): gnomAD 0.00011; 1000 Genomes Project 30x 0.00016; TOPMed 0.00017; 1000 Genomes Project 0.00020.
gnomAD v4.1: 55 of 1,613,962 alleles (0.0034%); highest among the groups gnomAD compares: Admixed American, 0.033%; 2 homozygotes.

Submissions (2):

Ambry Genetics
Classification: Uncertain significance for Inborn genetic diseases. Last evaluated: 2023-12-01. Review status: criteria provided, single submitter. Criteria: Ambry Variant Classification Scheme 2023. Collection method: clinical testing. Allele origin: germline.

Labcorp Genetics (formerly Invitae), Labcorp
Classification: Uncertain significance. Last evaluated: 2022-06-26. Review status: criteria provided, single submitter. Criteria: Invitae Variant Classification Sherloc (09022015). Collection method: clinical testing. Allele origin: germline.
Comment: This sequence change replaces valine, which is neutral and non-polar, with isoleucine, which is neutral and non-polar, at codon 232 of the SNX14 protein (p.Val232Ile). This variant is present in population databases (rs553047040, gnomAD 0.006%). This variant has not been reported in the literature in individuals affected with SNX14-related conditions. Algorithms developed to predict the effect of missense changes on protein structure and function (SIFT, PolyPhen-2, Align-GVGD) all suggest that this variant is likely to be tolerated. In summary, the available evidence is currently insufficient to determine the role of this variant in disease. Therefore, it has been classified as a Variant of Uncertain Significance.